The following is an entry in ClinVar:

NM_000397.4(CYBB):c.1610G>T (p.Cys537Phe)

Gene: CYBB (cytochrome b-245 beta chain; plus strand). Cytogenetic location: Xp11.4.
Variant type: single nucleotide variant.
Coding change: c.1610G>T on transcript NM_000397.4 (MANE Select); coding-DNA position 1610, G replaced by T.
Protein change: p.Cys537Phe; replaces cysteine 537 with phenylalanine.
Molecular consequence: missense variant.
Genome position (GRCh38, 1-based): chrX:37,810,814, G>T. VCF-style: chrX-37810814-G-T. GRCh37 (hg19) VCF-style: chrX-37670067-G-T.
Other names: short protein forms C537F.
Identifiers: ClinVar variation 2128256 (VCV002128256.4), dbSNP rs2519214389, ClinGen allele CA412978683.
Genomic context (GRCh38, chrX:37,810,814, plus strand): 5'-AAAGCTTGAAATTGTCTTTTTTTTTCTTTCCCAAAAGTACCAGAATAGGAGTTTTCCTCT[G>T]TGGACCTGAAGCCTTGGCTGAAACCCTGAGTAAACAAAGCATCTCCAACTCTGAGTCTGG-3'
Protein context (NP_000388.2, residues 527-547): HPNTRIGVFL[Cys537Phe]GPEALAETLS

ClinVar aggregate classification (germline): Likely pathogenic (1 of 4 stars; one submission).

Conditions:
Granulomatous disease, chronic, X-linked. Also called: CYTOCHROME b-NEGATIVE GRANULOMATOUS DISEASE, CHRONIC, X-LINKED; GRANULOMATOUS DISEASE, CHRONIC, X-LINKED, SOMATIC MOSAIC. Identifiers: Orphanet 379, MedGen C1844376, MONDO:0010600, OMIM 306400.

Submission:

Labcorp Genetics (formerly Invitae), Labcorp
Classification: Likely pathogenic for Granulomatous disease, chronic, X-linked. Last evaluated: 2022-06-01. Review status: criteria provided, single submitter. Criteria: Invitae Variant Classification Sherloc (09022015). Collection method: clinical testing. Allele origin: germline.
Comment: This sequence change replaces cysteine, which is neutral and slightly polar, with phenylalanine, which is neutral and non-polar, at codon 537 of the CYBB protein (p.Cys537Phe). This variant is not present in population databases (gnomAD no frequency). This variant has not been reported in the literature in individuals affected with CYBB-related conditions. Advanced modeling of protein sequence and biophysical properties (such as structural, functional, and spatial information, amino acid conservation, physicochemical variation, residue mobility, and thermodynamic stability) performed at Invitae indicates that this missense variant is expected to disrupt CYBB protein function. This variant disrupts the p.Cys537 amino acid residue in CYBB. Other variant(s) that disrupt this residue have been determined to be pathogenic (PMID: 9585602, 12589359, 22540226, 28168067). This suggests that this residue is clinically significant, and that variants that disrupt this residue are likely to be disease-causing. In summary, the currently available evidence indicates that the variant is pathogenic, but additional data are needed to prove that conclusively. Therefore, this variant has been classified as Likely Pathogenic.

Literature cited by the submitters: PubMed 9585602; PubMed 12589359; PubMed 22540226; PubMed 28168067.